The following is an entry in ClinVar:

ClinVar aggregate classification (germline): Pathogenic/Likely pathogenic. Review status: criteria provided, multiple submitters, no conflicts (2 of 4 stars). 2 submissions from 2 submitters: Pathogenic (1); Likely pathogenic (1). Last evaluated 2024-08-06.

Conditions:
Bardet-Biedl syndrome 2 (BBS2). Identifiers: Orphanet 110, MedGen C2936863, MONDO:0014432, OMIM 615981.
Bardet-Biedl syndrome (BBS). Identifiers: Orphanet 110, MedGen C0752166, MONDO:0015229.

Submissions (2):

Natera, Inc.
Classification: Likely pathogenic for Bardet-Biedl syndrome type 2. Last evaluated: 2024-08-06. Review status: criteria provided, single submitter. Criteria: Natera Variant Classification Schema (03/2026). Collection method: clinical testing. Allele origin: germline.
Comment: The c.1997_1998del variant in BBS2 is a frameshift variant predicted to shift the reading frame beginning at codon 666 and leads to a stop codon 40 codons downstream. This variant is expected to result in nonsense mediated decay, truncation, or a dysfunctional protein product. This variant is rare in the general population with a frequency below the threshold expected for the associated phenotype(s). Given the available evidence, this variant is classified as Likely Pathogenic.

Labcorp Genetics (formerly Invitae), Labcorp
Classification: Pathogenic for Bardet-Biedl syndrome. Last evaluated: 2022-08-13. Review status: criteria provided, single submitter. Criteria: Invitae Variant Classification Sherloc (09022015). Collection method: clinical testing. Allele origin: germline.
Comment: For these reasons, this variant has been classified as Pathogenic. This sequence change creates a premature translational stop signal (p.Thr666Argfs*40) in the BBS2 gene. While this is not anticipated to result in nonsense mediated decay, it is expected to disrupt the last 56 amino acid(s) of the BBS2 protein. This variant is not present in population databases (gnomAD no frequency). This variant has not been reported in the literature in individuals affected with BBS2-related conditions. This variant disrupts a region of the BBS2 protein in which other variant(s) (p.Arg703*) have been determined to be pathogenic (PMID: 21344540, 25999675; Invitae). This suggests that this is a clinically significant region of the protein, and that variants that disrupt it are likely to be disease-causing.

Literature cited by the submitters: PubMed 21344540 (cited by Labcorp Genetics (formerly Invitae), Labcorp); PubMed 25999675 (cited by Labcorp Genetics (formerly Invitae), Labcorp).

NM_031885.5(BBS2):c.1997_1998del (p.Thr666fs)

Gene: BBS2 (Bardet-Biedl syndrome 2; minus strand). Cytogenetic location: 16q13.
Variant type: Microsatellite.
Coding change: c.1997_1998del on transcript NM_031885.5 (MANE Select); coding-DNA positions 1997 to 1998, 2 bases deleted (CA; older notation c.1997_1998delCA).
Protein change: p.Thr666fs; shifts the reading frame from threonine 666.
Molecular consequence: frameshift variant. On other transcripts: non-coding transcript variant (5).
Genome position (GRCh38, 1-based): chr16:56,485,651-56,485,652, TG deleted on the plus strand (CA on the coding strand, the reverse complement: BBS2 is on the minus strand); deleting any 2 consecutive bases within chr16:56,485,651-56,485,656 gives the same sequence; the c. name uses the placement nearest the transcript's 3' end. VCF-style (leftmost placement, unchanged base first): chr16-56485650-CTG-C. GRCh37 (hg19) VCF-style: chr16-56519562-CTG-C.
Other names: c.1997_1998del (NM_031885.3); c.1997_1998del, p.Thr666fs (NM_001377456.1); short protein forms T666fs.
Identifiers: ClinVar variation 2024001 (VCV002024001.5), dbSNP rs2543672359, ClinGen allele CA2580613875.